The following is an entry in ClinVar:

NM_004444.5(EPHB4):c.1096C>A (p.Pro366Thr)

Gene: EPHB4 (EPH receptor B4; minus strand). Cytogenetic location: 7q22.1.
Variant type: single nucleotide variant.
Coding change: c.1096C>A on transcript NM_004444.5 (MANE Select); coding-DNA position 1096, C replaced by A.
Protein change: p.Pro366Thr; replaces proline 366 with threonine.
Molecular consequence: missense variant.
Genome position (GRCh38, 1-based): chr7:100,819,758, G>T on the plus strand (C>A on the coding strand, the complement: EPHB4 is on the minus strand). VCF-style: chr7-100819758-G-T. GRCh37 (hg19) VCF-style: chr7-100417380-G-T.
Other names: c.1096C>A (NM_004444.4); short protein forms P366T.
Identifiers: ClinVar variation 1512712 (VCV001512712.7), dbSNP rs369954495, ClinGen allele CA4393107.

ClinVar aggregate classification (germline): Conflicting classifications of pathogenicity. Review status: criteria provided, conflicting classifications (1 of 4 stars). 2 submissions from 2 submitters: Uncertain significance (1); Likely benign (1). Last evaluated 2025-02-15.

Conditions:
Cardiovascular phenotype. Identifiers: MedGen CN230736.

Allele frequency attached by ClinVar (database versions not stated): 1000 Genomes Project 30x 0.00016; 1000 Genomes Project 0.00020.
gnomAD v4.1: 8 of 1,603,876 alleles (0.0005%); highest among the groups gnomAD compares: East Asian, 0.018%; no homozygotes.

Submissions (2):

Ambry Genetics
Classification: Likely benign for Cardiovascular phenotype. Last evaluated: 2025-02-15. Review status: criteria provided, single submitter. Criteria: Ambry Variant Classification Scheme 2023. Collection method: clinical testing. Allele origin: germline.

Labcorp Genetics (formerly Invitae), Labcorp
Classification: Uncertain significance. Last evaluated: 2021-09-21. Review status: criteria provided, single submitter. Criteria: Invitae Variant Classification Sherloc (09022015). Collection method: clinical testing. Allele origin: germline.
Comment: In summary, the available evidence is currently insufficient to determine the role of this variant in disease. Therefore, it has been classified as a Variant of Uncertain Significance. Algorithms developed to predict the effect of missense changes on protein structure and function are either unavailable or do not agree on the potential impact of this missense change (SIFT: "Deleterious"; PolyPhen-2: "Benign"; Align-GVGD: "Class C35"). This variant has not been reported in the literature in individuals affected with EPHB4-related conditions. This variant is present in population databases (rs369954495, ExAC 0.02%). This sequence change replaces proline with threonine at codon 366 of the EPHB4 protein (p.Pro366Thr). The proline residue is highly conserved and there is a small physicochemical difference between proline and threonine.